The following is an entry in ClinVar:

NM_001105206.3(LAMA4):c.2357G>A (p.Arg786Lys)

Gene: LAMA4 (laminin subunit alpha 4; minus strand). Cytogenetic location: 6q21.
Variant type: single nucleotide variant.
Coding change: c.2357G>A on transcript NM_001105206.3 (MANE Select); coding-DNA position 2357, G replaced by A.
Protein change: p.Arg786Lys; replaces arginine 786 with lysine.
Molecular consequence: missense variant.
Genome position (GRCh38, 1-based): chr6:112,144,930, C>T on the plus strand (G>A on the coding strand, the complement: LAMA4 is on the minus strand). VCF-style: chr6-112144930-C-T. GRCh37 (hg19) VCF-style: chr6-112466132-C-T.
Other names: c.2336G>A, p.Arg779Lys (NM_001105207.3, NM_002290.5); short protein forms R786K, R779K.
Identifiers: ClinVar variation 4045953 (VCV004045953.1).

ClinVar aggregate classification (germline): Uncertain significance (1 of 4 stars; one submission).

Conditions:
Cardiovascular phenotype. Identifiers: MedGen CN230736.

Submission:

Ambry Genetics
Classification: Uncertain significance for Cardiovascular phenotype. Last evaluated: 2025-05-08. Review status: criteria provided, single submitter. Criteria: Ambry Variant Classification Scheme 2023. Collection method: clinical testing. Allele origin: germline.
Comment: The p.R779K variant (also known as c.2336G>A), located in coding exon 18 of the LAMA4 gene, results from a G to A substitution at nucleotide position 2336. The arginine at codon 779 is replaced by lysine, an amino acid with highly similar properties. This amino acid position is conserved. In addition, this alteration is predicted to be tolerated by in silico analysis. Based on the available evidence, the clinical significance of this variant remains unclear.